The following is an entry in ClinVar:

NM_001048166.1(STIL):c.1635T>G (p.Asn545Lys)

Gene: STIL (STIL centriolar assembly protein; minus strand). Cytogenetic location: 1p33.
Variant type: single nucleotide variant.
Coding change: c.1635T>G on transcript NM_001048166.1 (MANE Select); coding-DNA position 1635, T replaced by G.
Protein change: p.Asn545Lys; replaces asparagine 545 with lysine.
Molecular consequence: missense variant.
Genome position (GRCh38, 1-based): chr1:47,280,823, A>C on the plus strand (T>G on the coding strand, the complement: STIL is on the minus strand). VCF-style: chr1-47280823-A-C. GRCh37 (hg19) VCF-style: chr1-47746495-A-C.
Other names: c.1635T>G, p.Asn545Lys (NM_001282936.1, NM_001282937.1, NM_003035.2); c.1494T>G, p.Asn498Lys (NM_001282938.1, NM_001282939.1, NM_001377417.1); short protein forms N498K, N545K.
Identifiers: ClinVar variation 1028066 (VCV001028066.1), dbSNP rs770972789, ClinGen allele CA842305.
Genomic context (GRCh38, chr1:47,280,823, plus strand): 5'-AAGAGAAGACTGCCTAGAATTAAGTGTGGAGGGTCTTATAGGATACTCTTCGTTTTGTAC[A>C]TTTCCAGCAGAAACTGTTTGGAGCTTTTCAAATATATCATGAGATGGCCCATTATGAGAA-3'
Protein context (NP_001041631.1, residues 535-555): FEKLQTVSAG[Asn545Lys]VQNEEYPIRP

ClinVar aggregate classification (germline): Uncertain significance (1 of 4 stars; one submission).

Conditions:
Microcephaly 7, primary, autosomal recessive. Identifiers: Orphanet 2512, MedGen C2675187, MONDO:0012989, OMIM 612703.

Allele frequency attached by ClinVar (database versions not stated): gnomAD 0.00001.
gnomAD v4.1: 3 of 1,614,178 alleles (0.00019%); highest among the groups gnomAD compares: Middle Eastern, 0.017%; no homozygotes.

Submission:

Baylor Genetics
Classification: Uncertain significance for Microcephaly 7, primary, autosomal recessive. Last evaluated: 2020-08-01. Review status: criteria provided, single submitter. Criteria: ACMG Guidelines, 2015. Collection method: clinical testing. Allele origin: unknown. Affected: yes.
Comment: This variant was determined to be of uncertain significance according to ACMG Guidelines, 2015 [PMID:25741868].